The following is an entry in ClinVar:

ClinVar aggregate classification (germline): Uncertain significance (1 of 4 stars; one submission).

gnomAD v4.1: 8 of 1,614,126 alleles (0.0005%); highest among the groups gnomAD compares: Admixed American, 0.0017%; no homozygotes.

Submission:

Labcorp Genetics (formerly Invitae), Labcorp
Classification: Uncertain significance. Last evaluated: 2025-01-30. Review status: criteria provided, single submitter. Criteria: Invitae Variant Classification Sherloc (09022015). Collection method: clinical testing. Allele origin: germline.
Comment: This sequence change replaces isoleucine, which is neutral and non-polar, with valine, which is neutral and non-polar, at codon 199 of the EMC1 protein (p.Ile199Val). This variant is present in population databases (no rsID available, gnomAD 0.003%). This variant has not been reported in the literature in individuals affected with EMC1-related conditions. Invitae Evidence Modeling of protein sequence and biophysical properties (such as structural, functional, and spatial information, amino acid conservation, physicochemical variation, residue mobility, and thermodynamic stability) indicates that this missense variant is not expected to disrupt EMC1 protein function with a negative predictive value of 80%. In summary, the available evidence is currently insufficient to determine the role of this variant in disease. Therefore, it has been classified as a Variant of Uncertain Significance.

NM_015047.3(EMC1):c.595A>G (p.Ile199Val)

Gene: EMC1 (ER membrane protein complex subunit 1; minus strand). Cytogenetic location: 1p36.13.
Variant type: single nucleotide variant.
Coding change: c.595A>G on transcript NM_015047.3 (MANE Select); coding-DNA position 595, A replaced by G.
Protein change: p.Ile199Val; replaces isoleucine 199 with valine.
Molecular consequence: missense variant.
Genome position (GRCh38, 1-based): chr1:19,241,057, T>C on the plus strand (A>G on the coding strand, the complement: EMC1 is on the minus strand). VCF-style: chr1-19241057-T-C. GRCh37 (hg19) VCF-style: chr1-19567551-T-C.
Other names: c.595A>G, p.Ile199Val (NM_001271427.2, NM_001271428.2, NM_001375820.1 and 1 more transcripts); c.529A>G, p.Ile177Val (NM_001271429.2); short protein forms I199V, I177V.
Identifiers: ClinVar variation 4700127 (VCV004700127.1).